The following is an entry in ClinVar:

ClinVar aggregate classification (germline): Pathogenic (1 of 4 stars; one submission).

Conditions:
Macular corneal dystrophy (MCD). Also called: GROENOUW TYPE II CORNEAL DYSTROPHY; Macular corneal dystrophy Type I. Identifiers: Orphanet 98969, MedGen C1636149, MONDO:0009020, OMIM 217800.

Submission:

Women's Health and Genetics/Laboratory Corporation of America, LabCorp
Classification: Pathogenic for Macular corneal dystrophy. Last evaluated: 2025-04-22. Review status: criteria provided, single submitter. Criteria: LabCorp Variant Classification Summary - May 2015. Collection method: clinical testing. Allele origin: germline.
Comment: Variant summary: CHST6 c.573dupC (p.Ala192ArgfsX30) results in a premature termination codon, predicted to cause a truncation of the encoded protein or absence of the protein due to nonsense mediated decay, which are commonly known mechanisms for disease. The variant allele was found at a frequency of 4e-06 in 247332 control chromosomes. c.573dupC has been reported in the literature in at least one individual affected with Macular Corneal Dystrophy (e.g. Klintworth_2006). To our knowledge, no experimental evidence demonstrating an impact on protein function has been reported. The following publications have been ascertained in the context of this evaluation (PMID: 16568029, 30716718) ClinVar contains an entry for this variant (Variation ID: 2506044). Based on the evidence outlined above, the variant was classified as pathogenic.

Literature cited by the submitters: PubMed 16568029; PubMed 30716718.

NM_021615.5(CHST6):c.573dup (p.Ala192fs)

Gene: CHST6 (carbohydrate sulfotransferase 6; minus strand). Cytogenetic location: 16q23.1.
Variant type: Duplication.
Coding change: c.573dup on transcript NM_021615.5 (MANE Select); coding-DNA position 573, one base duplicated (C; older notation c.573dupC).
Protein change: p.Ala192fs; shifts the reading frame from alanine 192.
Molecular consequence: frameshift variant.
Genome position (GRCh38, 1-based): chr16:75,479,256, G duplicated on the plus strand (C on the coding strand, the reverse complement: CHST6 is on the minus strand); the first of 4 consecutive G bases (chr16:75,479,256-75,479,259); duplicating any one gives the same sequence. VCF-style (leftmost placement, unchanged base first): chr16-75479255-C-CG. GRCh37 (hg19) VCF-style: chr16-75513153-C-CG.
Other names: c.573dupC (NM_021615.5); short protein forms A192fs.
Identifiers: ClinVar variation 2506044 (VCV002506044.3), dbSNP rs746184019, ClinGen allele CA8175462.
Genomic context (GRCh38, chr16:75,479,255, plus strand): 5'-CCCGGGAGCGCAGCACGGCCCGCGGGTCGCGCACCAGGTGCACGATGCGTAGGTTGAGCG[C>CG]GGGGTCGCTGAGCAGCGGGTAGAGCACCTGCAGGTTGAAGAAGCGCACCTCCTTGAGCAC-3'